The following is an entry in ClinVar:

NM_001190737.2(NFIB):c.310T>C (p.Cys104Arg)

Gene: NFIB (nuclear factor I B; minus strand). Cytogenetic location: 9p22.3.
Variant type: single nucleotide variant.
Coding change: c.310T>C on transcript NM_001190737.2 (MANE Select); coding-DNA position 310, T replaced by C.
Protein change: p.Cys104Arg; replaces cysteine 104 with arginine.
Molecular consequence: missense variant.
Genome position (GRCh38, 1-based): chr9:14,307,241, A>G on the plus strand (T>C on the coding strand, the complement: NFIB is on the minus strand). VCF-style: chr9-14307241-A-G. GRCh37 (hg19) VCF-style: chr9-14307240-A-G.
Other names: c.388T>C, p.Cys130Arg (NM_001190738.2); c.376T>C, p.Cys126Arg (NM_001369458.1, NM_001369459.1, NM_001369462.1 and 1 more transcripts); c.298T>C, p.Cys100Arg (NM_001369460.1, NM_001369463.1, NM_001369466.1 and 4 more transcripts); c.310T>C, p.Cys104Arg (NM_001369461.1, NM_001369464.1, NM_001369471.1 and 5 more transcripts); c.283T>C, p.Cys95Arg (NM_001369465.1, NM_001369467.1, NM_001369476.1); c.166T>C, p.Cys56Arg (NM_001369469.1); c.295T>C, p.Cys99Arg (NM_001369474.1); short protein forms C100R, C104R, C126R, C130R, C56R, C95R, C99R.
Identifiers: ClinVar variation 4076824 (VCV004076824.1).

ClinVar aggregate classification (germline): Uncertain significance (1 of 4 stars; one submission).

Submission:

GeneDx
Classification: Uncertain significance. Last evaluated: 2025-02-22. Review status: criteria provided, single submitter. Criteria: GeneDx Variant Classification Process June 2021. Collection method: clinical testing. Allele origin: germline. Affected: yes.
Comment: Not observed at significant frequency in large population cohorts (gnomAD); In silico analysis supports that this missense variant has a deleterious effect on protein structure/function; Has not been previously published as pathogenic or benign to our knowledge